The following is an entry in ClinVar:

ClinVar aggregate classification (germline): Uncertain significance. Review status: criteria provided, multiple submitters, no conflicts (2 of 4 stars). 4 submissions from 4 submitters: Uncertain significance (3). 1 of the submissions does not count toward it. Last evaluated 2026-02-01.

Conditions:
NEK1-related disorder. Also called: NEK1-related condition.
Short-rib thoracic dysplasia 6 with or without polydactyly (SRTD6). Also called: POLYDACTYLY WITH NEONATAL CHONDRODYSTROPHY, TYPE II; SHORT-RIB THORACIC DYSPLASIA 6 WITHOUT POLYDACTYLY; Majewski Syndrome; SHORT-RIB THORACIC DYSPLASIA 6 WITH POLYDACTYLY; SHORT RIB-POLYDACTYLY SYNDROME, TYPE IIA. Identifiers: MedGen C0024507, MONDO:0009894, OMIM 263520.

Allele frequency attached by ClinVar (database versions not stated): ExAC 0.00002; gnomAD exomes 0.00002; gnomAD 0.00003; TOPMed 0.00004.
gnomAD v4.1: 35 of 1,594,726 alleles (0.0022%); highest among the groups gnomAD compares: Non-Finnish European, 0.0026%; no homozygotes.

Submissions (4):

CeGaT Center for Human Genetics Tuebingen
Classification: Uncertain significance. Last evaluated: 2026-02-01. Review status: criteria provided, single submitter. Criteria: CeGaT Center For Human Genetics Tuebingen Variant Classification Criteria Version 2. Collection method: clinical testing. Allele origin: germline. Affected: yes. Observed: 1 variant allele.
Comment: NEK1: PM2

Labcorp Genetics (formerly Invitae), Labcorp
Classification: Uncertain significance for Short-rib thoracic dysplasia 6 with or without polydactyly. Last evaluated: 2024-10-29. Review status: criteria provided, single submitter. Criteria: Invitae Variant Classification Sherloc (09022015). Collection method: clinical testing. Allele origin: germline.
Comment: This sequence change replaces asparagine, which is neutral and polar, with serine, which is neutral and polar, at codon 570 of the NEK1 protein (p.Asn570Ser). This variant is present in population databases (rs61735896, gnomAD 0.005%). This variant has not been reported in the literature in individuals affected with NEK1-related conditions. ClinVar contains an entry for this variant (Variation ID: 348110). Invitae Evidence Modeling of protein sequence and biophysical properties (such as structural, functional, and spatial information, amino acid conservation, physicochemical variation, residue mobility, and thermodynamic stability) indicates that this missense variant is not expected to disrupt NEK1 protein function with a negative predictive value of 80%. In summary, the available evidence is currently insufficient to determine the role of this variant in disease. Therefore, it has been classified as a Variant of Uncertain Significance.

Illumina Laboratory Services, Illumina
Classification: Uncertain significance for Short-rib thoracic dysplasia 6 with or without polydactyly. Last evaluated: 2018-01-13. Review status: criteria provided, single submitter. Criteria: ICSL Variant Classification Criteria 13 December 2019. Collection method: clinical testing. Allele origin: germline.

PreventionGenetics, part of Exact Sciences
Classification: Uncertain significance for NEK1-related condition. Last evaluated: 2024-05-09. Review status: no assertion criteria provided. Collection method: clinical testing. Allele origin: germline. Not counted in ClinVar's aggregate classification.
Comment: The NEK1 c.1709A>G variant is predicted to result in the amino acid substitution p.Asn570Ser. To our knowledge, this variant has not been reported in the literature. This variant is reported in 0.0052% of alleles in individuals of European (Non-Finnish) descent in gnomAD. At this time, the clinical significance of this variant is uncertain due to the absence of conclusive functional and genetic evidence.

NM_001199397.3(NEK1):c.1793A>G (p.Asn598Ser)

Gene: NEK1 (NIMA related kinase 1; minus strand). Cytogenetic location: 4q33.
Variant type: single nucleotide variant.
Coding change: c.1793A>G on transcript NM_001199397.3 (MANE Select); coding-DNA position 1793, A replaced by G.
Protein change: p.Asn598Ser; replaces asparagine 598 with serine.
Molecular consequence: missense variant. On other transcripts: non-coding transcript variant (1).
Genome position (GRCh38, 1-based): chr4:169,508,288, T>C on the plus strand (A>G on the coding strand, the complement: NEK1 is on the minus strand). VCF-style: chr4-169508288-T-C. GRCh37 (hg19) VCF-style: chr4-170429439-T-C.
Other names: c.1661A>G, p.Asn554Ser (NM_001199398.3); c.1502A>G, p.Asn501Ser (NM_001199399.3); c.1577A>G, p.Asn526Ser (NM_001199400.3); c.1793A>G, p.Asn598Ser (NM_001374418.1); c.1709A>G, p.Asn570Ser (NM_001374419.1, NM_012224.4); c.1658A>G, p.Asn553Ser (NM_001374420.1); c.1583A>G, p.Asn528Ser (NM_001374421.1); short protein forms N598S, N570S, N526S, N554S, N501S, N528S, N553S.
Identifiers: ClinVar variation 348110 (VCV000348110.17), dbSNP rs61735896, ClinGen allele CA3137632.